The following is an entry in ClinVar:

ClinVar aggregate classification (germline): Uncertain significance. Review status: reviewed by expert panel (3 of 4 stars). 2 submissions from 2 submitters: Uncertain significance (1). 1 of the submissions does not count toward it. Last evaluated 2024-07-17.

Conditions:
Hereditary thrombocytopenia and hematologic cancer predisposition syndrome. Identifiers: Orphanet 71290, MedGen CN281654, MONDO:0011071.
Hereditary thrombocytopenia and hematological cancer predisposition syndrome associated with RUNX1. Also called: Familial thrombocytopenia with propensity to acute myelogenous leukemia; PLATELET DISORDER, ASPIRIN-LIKE; RUNX1 Familial Platelet Disorder with Associated Myeloid Malignancies; Familial Platelet Disorder with Propensity to Acute Myelogenous Leukemia. Identifiers: Orphanet 71290, MedGen C1832388, MeSH C563324, MONDO:0100083, OMIM 601399.

Submissions (2):

ClinGen Myeloid Malignancy Variant Curation Expert Panel
Classification: Uncertain significance for Hereditary thrombocytopenia and hematologic cancer predisposition syndrome. Last evaluated: 2024-07-17. Review status: reviewed by expert panel. Criteria: ClinGen MyeloMalig ACMG Specifications v2. Collection method: curation. Allele origin: germline. Inheritance: Autosomal dominant inheritance.
Comment: NM_001754.5(RUNX1):c.823C>T (p.Pro275Ser) is a missense variant that is absent from gnomAD v2.1.1 and v3.1.2 (PM2_supporting). The REVEL score is 0.057 (<0.50), indicating that the variant is likely to be tolerated (BP4). Additionally, a SpliceAI score of 0 (<0.20) suggests that the variant is unlikely to impact splicing. In summary, the clinical significance of this variant is uncertain. ACMG/AMP criteria have been applied as specified by the Myeloid Malignancy Variant Curation Expert Panel for RUNX1: BP4, PM2_supporting.

Labcorp Genetics (formerly Invitae), Labcorp
Classification: Uncertain significance for Hereditary thrombocytopenia and hematological cancer predisposition syndrome associated with RUNX1. Last evaluated: 2022-05-30. Review status: criteria provided, single submitter. Criteria: Invitae Variant Classification Sherloc (09022015). Collection method: clinical testing. Allele origin: germline. Not counted in ClinVar's aggregate classification.
Comment: Algorithms developed to predict the effect of missense changes on protein structure and function (SIFT, PolyPhen-2, Align-GVGD) all suggest that this variant is likely to be tolerated. This sequence change replaces proline, which is neutral and non-polar, with serine, which is neutral and polar, at codon 275 of the RUNX1 protein (p.Pro275Ser). This variant is not present in population databases (gnomAD no frequency). This variant has not been reported in the literature in individuals affected with RUNX1-related conditions. ClinVar contains an entry for this variant (Variation ID: 1010913). In summary, the available evidence is currently insufficient to determine the role of this variant in disease. Therefore, it has been classified as a Variant of Uncertain Significance.

NM_001754.5(RUNX1):c.823C>T (p.Pro275Ser)

Gene: RUNX1 (RUNX family transcription factor 1; minus strand). Cytogenetic location: 21q22.12.
Variant type: single nucleotide variant.
Coding change: c.823C>T on transcript NM_001754.5 (MANE Select); coding-DNA position 823, C replaced by T.
Protein change: p.Pro275Ser; replaces proline 275 with serine.
Molecular consequence: missense variant.
Genome position (GRCh38, 1-based): chr21:34,799,445, G>A on the plus strand (C>T on the coding strand, the complement: RUNX1 is on the minus strand). VCF-style: chr21-34799445-G-A. GRCh37 (hg19) VCF-style: chr21-36171742-G-A.
Other names: NM_001754.5(RUNX1):c.823C>T; p.Pro275Ser; c.742C>T, p.Pro248Ser (NM_001001890.3); short protein forms P248S, P275S.
Identifiers: ClinVar variation 1010913 (VCV001010913.11), dbSNP rs2056577888, ClinGen allele CA410150304.